The following is an entry in ClinVar:

ClinVar aggregate classification (germline): Uncertain significance (1 of 4 stars; one submission).

Conditions:
Inborn genetic diseases. Identifiers: MedGen C0950123, MeSH D030342.

Submission:

Ambry Genetics
Classification: Uncertain significance for Inborn genetic diseases. Last evaluated: 2025-11-29. Review status: criteria provided, single submitter. Criteria: Ambry Variant Classification Scheme 2023. Collection method: clinical testing. Allele origin: germline.
Comment: The p.H1086D variant (also known as c.3256C>G), located in coding exon 14 of the FANCM gene, results from a C to G substitution at nucleotide position 3256. The histidine at codon 1086 is replaced by aspartic acid, an amino acid with similar properties. This amino acid position is conserved. In addition, this alteration is predicted to be tolerated by in silico analysis. Based on the available evidence, the clinical significance of this variant remains unclear.

NM_020937.4(FANCM):c.3256C>G (p.His1086Asp)

Gene: FANCM (FA complementation group M; plus strand). Cytogenetic location: 14q21.2.
Variant type: single nucleotide variant.
Coding change: c.3256C>G on transcript NM_020937.4 (MANE Select); coding-DNA position 3256, C replaced by G.
Protein change: p.His1086Asp; replaces histidine 1086 with aspartic acid.
Molecular consequence: missense variant.
Genome position (GRCh38, 1-based): chr14:45,176,010, C>G. VCF-style: chr14-45176010-C-G. GRCh37 (hg19) VCF-style: chr14-45645213-C-G.
Other names: c.3178C>G, p.His1060Asp (NM_001308133.2); short protein forms H1060D, H1086D.
Identifiers: ClinVar variation 4619618 (VCV004619618.1).